The following is an entry in ClinVar:

ClinVar aggregate classification (germline): Uncertain significance. Review status: criteria provided, multiple submitters, no conflicts (2 of 4 stars). 3 submissions from 3 submitters: Uncertain significance (3). Last evaluated 2026-08-27.

Conditions:
Cardiovascular phenotype. Identifiers: MedGen CN230736.

Allele frequency attached by ClinVar (database versions not stated): gnomAD 0.00002; gnomAD exomes 0.00002; TOPMed 0.00002.
gnomAD v4.1: 27 of 1,550,144 alleles (0.0017%); highest among the groups gnomAD compares: African/African-American, 0.0041%; no homozygotes.

Submissions (3):

GeneDx
Classification: Uncertain significance. Last evaluated: 2026-08-27. Review status: criteria provided, single submitter. Criteria: GeneDx Variant Classification Process June 2021. Collection method: clinical testing. Allele origin: germline.
Comment: Not observed at significant frequency in large population cohorts (gnomAD); In silico analysis supports that this missense variant does not alter protein structure/function; Has not been previously published as pathogenic or benign to our knowledge

Ambry Genetics
Classification: Uncertain significance for Cardiovascular phenotype. Last evaluated: 2025-02-25. Review status: criteria provided, single submitter. Criteria: Ambry Variant Classification Scheme 2023. Collection method: clinical testing. Allele origin: germline.

Labcorp Genetics (formerly Invitae), Labcorp
Classification: Uncertain significance. Last evaluated: 2022-07-01. Review status: criteria provided, single submitter. Criteria: Invitae Variant Classification Sherloc (09022015). Collection method: clinical testing. Allele origin: germline.
Comment: This sequence change replaces glutamic acid, which is acidic and polar, with lysine, which is basic and polar, at codon 3890 of the ZNF469 protein (p.Glu3890Lys). This variant is present in population databases (no rsID available, gnomAD 0.003%). This variant has not been reported in the literature in individuals affected with ZNF469-related conditions. ClinVar contains an entry for this variant (Variation ID: 426223). Algorithms developed to predict the effect of missense changes on protein structure and function (SIFT, PolyPhen-2, Align-GVGD) all suggest that this variant is likely to be tolerated. In summary, the available evidence is currently insufficient to determine the role of this variant in disease. Therefore, it has been classified as a Variant of Uncertain Significance.

NM_001367624.2(ZNF469):c.11752G>A (p.Glu3918Lys)

Gene: ZNF469 (zinc finger protein 469; plus strand). Cytogenetic location: 16q24.2.
Variant type: single nucleotide variant.
Coding change: c.11752G>A on transcript NM_001367624.2 (MANE Select); coding-DNA position 11752, G replaced by A.
Protein change: p.Glu3918Lys; replaces glutamic acid 3918 with lysine.
Molecular consequence: missense variant.
Genome position (GRCh38, 1-based): chr16:88,439,222, G>A. VCF-style: chr16-88439222-G-A. GRCh37 (hg19) VCF-style: chr16-88505630-G-A.
Other names: NM_001127464.1:c.11668G>A; short protein forms E3918K.
Identifiers: ClinVar variation 426223 (VCV000426223.8), dbSNP rs1085307510, ClinGen allele CA397131173.